The following is an entry in ClinVar:

NM_022114.4(PRDM16):c.1574G>A (p.Arg525Gln)

Gene: PRDM16 (PR/SET domain 16; plus strand). Cytogenetic location: 1p36.32.
Variant type: single nucleotide variant.
Coding change: c.1574G>A on transcript NM_022114.4 (MANE Select); coding-DNA position 1574, G replaced by A.
Protein change: p.Arg525Gln; replaces arginine 525 with glutamine.
Molecular consequence: missense variant.
Genome position (GRCh38, 1-based): chr1:3,411,771, G>A. VCF-style: chr1-3411771-G-A. GRCh37 (hg19) VCF-style: chr1-3328335-G-A.
Other names: c.1574G>A, p.Arg525Gln (NM_199454.3); short protein forms R525Q.
Identifiers: ClinVar variation 229158 (VCV000229158.40), dbSNP rs373011563, ClinGen allele CA544228.

ClinVar aggregate classification (germline): Conflicting classifications of pathogenicity. Review status: criteria provided, conflicting classifications (1 of 4 stars). 6 submissions from 6 submitters: Uncertain significance (4); Likely benign (2). Last evaluated 2025-11-13.

Conditions:
Inborn genetic diseases. Identifiers: MedGen C0950123, MeSH D030342.
Left ventricular noncompaction 8 (LVNC8). Identifiers: Orphanet 154, Orphanet 54260, MedGen C3809288, MONDO:0014152, OMIM 615373.

Allele frequency attached by ClinVar (database versions not stated): ESP Exome Variant Server 0.00008; ExAC 0.00013; gnomAD 0.00013; gnomAD exomes 0.00014; TOPMed 0.00019.
gnomAD v4.1: 202 of 1,611,412 alleles (0.013%); highest among the groups gnomAD compares: East Asian, 0.022%; no homozygotes.

Submissions (6):

Labcorp Genetics (formerly Invitae), Labcorp
Classification: Uncertain significance for Left ventricular noncompaction 8. Last evaluated: 2025-11-13. Review status: criteria provided, single submitter. Criteria: Invitae Variant Classification Sherloc (09022015). Collection method: clinical testing. Allele origin: germline.
Comment: This sequence change replaces arginine, which is basic and polar, with glutamine, which is neutral and polar, at codon 525 of the PRDM16 protein (p.Arg525Gln). This variant is present in population databases (rs373011563, gnomAD 0.07%), and has an allele count higher than expected for a pathogenic variant. This missense change has been observed in individual(s) with dilated cardiomyopathy (PMID: 32746448). ClinVar contains an entry for this variant (Variation ID: 229158). An algorithm developed to predict the effect of missense changes on protein structure and function (PolyPhen-2) suggests that this variant is likely to be disruptive. In summary, the available evidence is currently insufficient to determine the role of this variant in disease. Therefore, it has been classified as a Variant of Uncertain Significance.

Women's Health and Genetics/Laboratory Corporation of America, LabCorp
Classification: Likely benign. Last evaluated: 2025-05-23. Review status: criteria provided, single submitter. Criteria: LabCorp Variant Classification Summary - May 2015. Collection method: clinical testing. Allele origin: germline.
Comment: Variant summary: PRDM16 c.1574G>A (p.Arg525Gln) results in a conservative amino acid change in the encoded protein sequence. Algorithms developed to predict the effect of missense changes on protein structure and function are either unavailable or do not agree on the potential impact of this missense change. The variant allele was found at a frequency of 0.00014 in 246438 control chromosomes, predominantly at a frequency of 0.00067 within the East Asian subpopulation in the gnomAD database. The observed variant frequency within East Asian control individuals in the gnomAD database is approximately 13.4 fold of the estimated maximal expected allele frequency for a pathogenic variant in PRDM16 causing Cardiomyopathy phenotype (5e-05). c.1574G>A has been observed in individual(s) affected with Cardiomyopathy (Burstein_2021). These report(s) do not provide unequivocal conclusions about association of the variant with Cardiomyopathy. To our knowledge, no experimental evidence demonstrating an impact on protein function has been reported. The following publication has been ascertained in the context of this evaluation (PMID: 32746448). ClinVar contains an entry for this variant (Variation ID: 229158). Based on the evidence outlined above, the variant was classified as likely benign.

CeGaT Center for Human Genetics Tuebingen
Classification: Likely benign. Last evaluated: 2023-11-01. Review status: criteria provided, single submitter. Criteria: CeGaT Center For Human Genetics Tuebingen Variant Classification Criteria Version 2. Collection method: clinical testing. Allele origin: germline. Affected: yes. Observed: 1 variant allele.
Comment: PRDM16: BS1

Ambry Genetics
Classification: Uncertain significance for Inborn genetic diseases. Last evaluated: 2021-10-06. Review status: criteria provided, single submitter. Criteria: Ambry Variant Classification Scheme 2023. Collection method: clinical testing. Allele origin: germline.

GeneDx
Classification: Uncertain significance. Last evaluated: 2019-08-30. Review status: criteria provided, single submitter. Criteria: GeneDx Variant Classification Process June 2021. Collection method: clinical testing. Allele origin: germline. Affected: yes.
Comment: Has not been previously published as pathogenic or benign to our knowledge; Reported in ClinVar as a variant of uncertain significance (ClinVar Variant ID# 229158; Landrum et al., 2016); In silico analysis, which includes protein predictors and evolutionary conservation, supports that this variant does not alter protein structure/function

Laboratory for Molecular Medicine, Mass General Brigham Personalized Medicine
Classification: Uncertain significance. Last evaluated: 2016-01-26. Review status: criteria provided, single submitter. Criteria: LMM Criteria. Collection method: clinical testing. Allele origin: germline. Observed: 1 variant allele.
Comment: The p.Arg525Gln variant in PRDM16 has not been previously reported in individual s with cardiomyopathy, but has been identified in 6/8492 East Asian chromosomes by the Exome Aggregation Consortium (ExAC; dbSNP rs373011563). Computational prediction tools and conservation analysis suggest that the p.Arg525Gln variant may impact the protein, though this information is not predictive enough to determine pathogenicity. In summary, the clinical signi ficance of the p.Arg525Gln variant is uncertain.

Literature cited by the submitters: PubMed 32746448 (cited by Labcorp Genetics (formerly Invitae), Labcorp and Women's Health and Genetics/Laboratory Corporation of America, LabCorp).